The following is an entry in ClinVar:

ClinVar aggregate classification (germline): Uncertain significance (1 of 4 stars; one submission).

gnomAD v4.1: 21 of 1,614,034 alleles (0.0013%); highest among the groups gnomAD compares: Non-Finnish European, 0.0018%; no homozygotes.

Submission:

Labcorp Genetics (formerly Invitae), Labcorp
Classification: Uncertain significance. Last evaluated: 2025-01-24. Review status: criteria provided, single submitter. Criteria: Invitae Variant Classification Sherloc (09022015). Collection method: clinical testing. Allele origin: germline.
Comment: This sequence change replaces arginine, which is basic and polar, with tryptophan, which is neutral and slightly polar, at codon 275 of the RIPK1 protein (p.Arg275Trp). This variant is not present in population databases (gnomAD no frequency). This variant has not been reported in the literature in individuals affected with RIPK1-related conditions. An algorithm developed to predict the effect of missense changes on protein structure and function (PolyPhen-2) suggests that this variant is likely to be disruptive. In summary, the available evidence is currently insufficient to determine the role of this variant in disease. Therefore, it has been classified as a Variant of Uncertain Significance.

NM_001354930.2(RIPK1):c.823C>T (p.Arg275Trp)

Gene: RIPK1 (receptor interacting serine/threonine kinase 1; plus strand). Cytogenetic location: 6p25.2.
Variant type: single nucleotide variant.
Coding change: c.823C>T on transcript NM_001354930.2 (MANE Select); coding-DNA position 823, C replaced by T.
Protein change: p.Arg275Trp; replaces arginine 275 with tryptophan.
Molecular consequence: missense variant.
Genome position (GRCh38, 1-based): chr6:3,085,393, C>T. VCF-style: chr6-3085393-C-T. GRCh37 (hg19) VCF-style: chr6-3085627-C-T.
Other names: c.334C>T, p.Arg112Trp (NM_001317061.3, NM_001354932.2, NM_001354933.2 and 1 more transcripts); c.685C>T, p.Arg229Trp (NM_001354931.2); c.823C>T, p.Arg275Trp (NM_003804.6); short protein forms R112W, R229W, R275W.
Identifiers: ClinVar variation 3609267 (VCV003609267.2).
Genomic context (GRCh38, chr6:3,085,393, plus strand): 5'-TACTGCCCAAGAGAAATTATCAGTCTCATGAAGCTCTGCTGGGAAGCGAATCCGGAAGCT[C>T]GGCCGACATTTCCTGGTAAGAGCATCTTTTCTGACTGTGTAGGATGCATCCTGTGTGGTG-3'
Protein context (NP_001341859.1, residues 265-285): KLCWEANPEA[Arg275Trp]PTFPGIEEKF